The following is an entry in ClinVar:

ClinVar aggregate classification (germline): Uncertain significance (1 of 4 stars; one submission).

Submission:

Labcorp Genetics (formerly Invitae), Labcorp
Classification: Uncertain significance. Last evaluated: 2024-01-22. Review status: criteria provided, single submitter. Criteria: Invitae Variant Classification Sherloc (09022015). Collection method: clinical testing. Allele origin: germline.
Comment: This variant, c.68_70del, results in the deletion of 1 amino acid(s) of the THBD protein (p.Pro23del), but otherwise preserves the integrity of the reading frame. This variant is not present in population databases (gnomAD no frequency). This variant has not been reported in the literature in individuals affected with THBD-related conditions. Experimental studies and prediction algorithms are not available or were not evaluated, and the functional significance of this variant is currently unknown. In summary, the available evidence is currently insufficient to determine the role of this variant in disease. Therefore, it has been classified as a Variant of Uncertain Significance.

NM_000361.3(THBD):c.68_70del (p.Pro23del)

Gene: THBD (thrombomodulin; minus strand). Cytogenetic location: 20p11.21.
Variant type: Deletion.
Coding change: c.68_70del on transcript NM_000361.3 (MANE Select); coding-DNA positions 68 to 70, 3 bases deleted (CGC; older notation c.68_70delCGC).
Protein change: p.Pro23del; deletes proline 23.
Molecular consequence: inframe deletion.
Genome position (GRCh38, 1-based): chr20:23,049,435-23,049,437, GCG deleted on the plus strand (CGC on the coding strand, the reverse complement: THBD is on the minus strand); deleting any 3 consecutive bases within chr20:23,049,435-23,049,439 gives the same sequence; the c. name uses the placement nearest the transcript's 3' end. VCF-style (leftmost placement, unchanged base first): chr20-23049434-TGCG-T. GRCh37 (hg19) VCF-style: chr20-23030071-TGCG-T.
Other names: short protein forms P23del.
Identifiers: ClinVar variation 2876609 (VCV002876609.3), dbSNP rs2515206150, ClinGen allele CA2652141676.